The following is an entry in ClinVar:

ClinVar aggregate classification (germline): Uncertain significance. Review status: criteria provided, multiple submitters, no conflicts (2 of 4 stars). 4 submissions from 4 submitters: Uncertain significance (3). 1 of the submissions does not count toward it. Last evaluated 2026-06-05.

Conditions:
BEST1-related disorder. Also called: BEST1-related disorders; BEST1-related condition. Identifiers: MedGen CN239200.
Retinal dystrophy. Also called: Inherited retinal dystrophy. Identifiers: Orphanet 71862, MedGen C0854723, MeSH D058499, MONDO:0019118, HP:0000556.

Allele frequency attached by ClinVar (database versions not stated): ExAC 0.00002; TOPMed 0.00002; 1000 Genomes Project 30x 0.00016; 1000 Genomes Project 0.00020.
gnomAD v4.1: 9 of 1,612,492 alleles (0.00056%); highest among the groups gnomAD compares: Admixed American, 0.0067%; no homozygotes.

Submissions (4):

PreventionGenetics, part of Exact Sciences
Classification: Uncertain significance for BEST1-related condition. Last evaluated: 2026-06-05. Review status: criteria provided, single submitter. Criteria: ACMG Guidelines, 2015. Collection method: clinical testing. Allele origin: germline.
Comment: The BEST1 c.1024G>A variant is predicted to result in the amino acid substitution p.Glu342Lys. To our knowledge, this variant has not been reported in the literature. This variant is reported in 0.0088% of alleles in individuals of Latino descent in gnomAD. At this time, the clinical significance of this variant is uncertain due to the absence of conclusive functional and genetic evidence.

Labcorp Genetics (formerly Invitae), Labcorp
Classification: Uncertain significance. Last evaluated: 2025-08-12. Review status: criteria provided, single submitter. Criteria: Invitae Variant Classification Sherloc (09022015). Collection method: clinical testing. Allele origin: germline.
Comment: This sequence change replaces glutamic acid, which is acidic and polar, with lysine, which is basic and polar, at codon 342 of the BEST1 protein (p.Glu342Lys). This variant is present in population databases (rs202234687, gnomAD 0.009%). This variant has not been reported in the literature in individuals affected with BEST1-related conditions. ClinVar contains an entry for this variant (Variation ID: 938293). Invitae Evidence Modeling of protein sequence and biophysical properties (such as structural, functional, and spatial information, amino acid conservation, physicochemical variation, residue mobility, and thermodynamic stability) has been performed for this missense variant. However, the output from this modeling did not meet the statistical confidence thresholds required to predict the impact of this variant on BEST1 protein function. In summary, the available evidence is currently insufficient to determine the role of this variant in disease. Therefore, it has been classified as a Variant of Uncertain Significance.

Blueprint Genetics
Classification: Uncertain significance. Last evaluated: 2024-03-04. Review status: criteria provided, single submitter. Criteria: ACMG Guidelines, 2015. Collection method: clinical testing. Allele origin: germline.

Institute of Human Genetics, Univ. Regensburg, Univ. Regensburg
Classification: Uncertain significance for Retinal dystrophy. Last evaluated: 2015-01-01. Review status: no assertion criteria provided. Criteria: ACMG Guidelines, 2015. Collection method: clinical testing. Allele origin: germline. Affected: yes. Not counted in ClinVar's aggregate classification.

NM_004183.4(BEST1):c.1024G>A (p.Glu342Lys)

Gene: BEST1 (bestrophin 1; plus strand). Cytogenetic location: 11q12.3.
Variant type: single nucleotide variant.
Coding change: c.1024G>A on transcript NM_004183.4 (MANE Select); coding-DNA position 1024, G replaced by A.
Protein change: p.Glu342Lys; replaces glutamic acid 342 with lysine.
Molecular consequence: missense variant. On other transcripts: synonymous variant (1), non-coding transcript variant (1).
Genome position (GRCh38, 1-based): chr11:61,959,967, G>A. VCF-style: chr11-61959967-G-A. GRCh37 (hg19) VCF-style: chr11-61727439-G-A.
Other names: c.844G>A, p.Glu282Lys (NM_001139443.3, NM_001300787.2); c.763G>A, p.Glu255Lys (NM_001300786.2); c.706G>A, p.Glu236Lys (NM_001363591.3); c.1227G>A, p.Pro409= (NM_001363592.2); c.52G>A, p.Glu18Lys (NM_001363593.3); short protein forms E342K, E18K, E255K, E236K, E282K.
Identifiers: ClinVar variation 938293 (VCV000938293.13), dbSNP rs202234687, ClinGen allele CA6040968.